The following is an entry in ClinVar:

ClinVar aggregate classification (germline): Benign/Likely benign. Review status: criteria provided, multiple submitters, no conflicts (2 of 4 stars). 7 submissions from 7 submitters: Benign (2); Likely benign (5). Last evaluated 2026-01-28.

Conditions:
ABCG5-related disorder. Also called: ABCG5-related condition.
Sitosterolemia (STSL). Also called: PHYTOSTEROLEMIA. Identifiers: Orphanet 2882, MedGen C0342907, MONDO:0008863.

Allele frequency attached by ClinVar (database versions not stated): gnomAD exomes 0.00068 and 0.00024; 1000 Genomes Project 0.00220; gnomAD 0.00288 and 0.00269; ExAC 0.00102; 1000 Genomes Project 30x 0.00250; TOPMed 0.00284; ESP Exome Variant Server 0.00315.
gnomAD v4.1: 758 of 1,598,646 alleles (0.047%); highest among the groups gnomAD compares: African/African-American, 0.91%; 5 homozygotes.

Submissions (7):

Labcorp Genetics (formerly Invitae), Labcorp
Classification: Benign for Sitosterolemia. Last evaluated: 2026-01-28. Review status: criteria provided, single submitter. Criteria: Invitae Variant Classification Sherloc (09022015). Collection method: clinical testing. Allele origin: germline.

PreventionGenetics, part of Exact Sciences
Classification: Likely benign for ABCG5-related condition. Last evaluated: 2026-01-12. Review status: criteria provided, single submitter. Criteria: ACMG Guidelines, 2015. Collection method: clinical testing. Allele origin: germline.
Comment: This variant is classified as likely benign based on ACMG/AMP sequence variant interpretation guidelines (Richards et al. 2015 PMID: 25741868, with internal and published modifications).

Blueprint Genetics
Classification: Likely benign. Last evaluated: 2024-07-04. Review status: criteria provided, single submitter. Criteria: ACMG Guidelines, 2015. Collection method: clinical testing. Allele origin: germline.

Mayo Clinic Laboratories, Mayo Clinic
Classification: Likely benign. Last evaluated: 2023-10-27. Review status: criteria provided, single submitter. Criteria: ACMG Guidelines, 2015. Collection method: clinical testing. Allele origin: germline. Observed: 9 variant alleles.
Comment: BS1

GeneDx
Classification: Likely benign. Last evaluated: 2021-05-18. Review status: criteria provided, single submitter. Criteria: GeneDx Variant Classification Process June 2021. Collection method: clinical testing. Allele origin: germline. Affected: yes.

Genetic Services Laboratory, University of Chicago
Classification: Likely benign. Last evaluated: 2018-03-29. Review status: criteria provided, single submitter. Criteria: ACMG Guidelines, 2015. Collection method: clinical testing. Allele origin: germline. Affected: no.

Eurofins Ntd Llc (ga)
Classification: Benign. Last evaluated: 2015-05-14. Review status: criteria provided, single submitter. Criteria: EGL Classification Definitions 2015. Collection method: clinical testing. Allele origin: germline. Observed: 1 variant allele, 1 heterozygote.

NM_022436.3(ABCG5):c.1763-7T>G

Genes: ABCG5 (ATP binding cassette subfamily G member 5; minus strand), DYNC2LI1 (dynein cytoplasmic 2 light intermediate chain 1; plus strand). Cytogenetic location: 2p21.
Variant type: single nucleotide variant.
Coding change: c.1763-7T>G on transcript NM_022436.3 (MANE Select); 7 bases into the intron before coding-DNA position 1763, T replaced by G.
Molecular consequence: intron variant.
Genome position (GRCh38, 1-based): chr2:43,813,316, A>C on the plus strand (T>G on the coding strand, the complement: ABCG5 is on the minus strand). VCF-style: chr2-43813316-A-C. GRCh37 (hg19) VCF-style: chr2-44040455-A-C.
Other names: p.?; c.*15+2792A>C (NM_001348913.2, NM_001348912.2).
Identifiers: ClinVar variation 194263 (VCV000194263.23), dbSNP rs114780578, ClinGen allele CA201074.
Genomic context (GRCh38, chr2:43,813,316, plus strand): 5'-TTCCTTGAGTGAAGGCACACATTGGATTAGTTGTCACAGAAACATTTGAGCTGCCTGTCA[A>C]GGAAAAGATTGACAGTGTCAGGTGTGGTTTATCTCAGGTAATTTAATCAACAAGTATTTA-3'